The following is an entry in ClinVar:

NM_000875.5(IGF1R):c.3022G>A (p.Gly1008Arg)

Gene: IGF1R (insulin like growth factor 1 receptor; plus strand). Cytogenetic location: 15q26.3.
Variant type: single nucleotide variant.
Coding change: c.3022G>A on transcript NM_000875.5 (MANE Select); coding-DNA position 3022, G replaced by A.
Protein change: p.Gly1008Arg; replaces glycine 1008 with arginine.
Molecular consequence: missense variant.
Genome position (GRCh38, 1-based): chr15:98,934,889, G>A. VCF-style: chr15-98934889-G-A. GRCh37 (hg19) VCF-style: chr15-99478118-G-A.
Other names: c.3019G>A, p.Gly1007Arg (NM_001291858.2); short protein forms G1007R, G1008R.
Identifiers: ClinVar variation 1809997 (VCV001809997.1), dbSNP rs2151707853, ClinGen allele CA393657783.

ClinVar aggregate classification (germline): Uncertain significance (1 of 4 stars; one submission).

Submission:

GeneDx
Classification: Uncertain significance. Last evaluated: 2022-07-01. Review status: criteria provided, single submitter. Criteria: GeneDx Variant Classification Process June 2021. Collection method: clinical testing. Allele origin: germline. Affected: yes.
Comment: Not observed at significant frequency in large population cohorts (gnomAD); In silico analysis supports that this missense variant has a deleterious effect on protein structure/function; Has not been previously published as pathogenic or benign to our knowledge